The following is an entry in ClinVar:

NM_000169.3(GLA):c.194G>C (p.Ser65Thr)

Genes: GLA (galactosidase alpha; minus strand), RPL36A-HNRNPH2 (RPL36A-HNRNPH2 readthrough; plus strand). Cytogenetic location: Xq22.1.
Variant type: single nucleotide variant.
Coding change: c.194G>C on transcript NM_000169.3 (MANE Select); coding-DNA position 194, G replaced by C.
Protein change: p.Ser65Thr; replaces serine 65 with threonine.
Molecular consequence: missense variant. On other transcripts: non-coding transcript variant (3), intron variant (2).
Genome position (GRCh38, 1-based): chrX:101,407,710, C>G on the plus strand (G>C on the coding strand, the complement: GLA is on the minus strand). VCF-style: chrX-101407710-C-G. GRCh37 (hg19) VCF-style: chrX-100662698-C-G.
Other names: c.194G>C, p.Ser65Thr (NM_001406747.1, NM_001406748.1, NM_001406749.1); c.301-4226C>G (NM_001199973.2); c.178-4226C>G (NM_001199974.2); short protein forms S65T.
Identifiers: ClinVar variation 10766 (VCV000010766.3), dbSNP rs104894848, ClinGen allele CA021577.

ClinVar aggregate classification (germline): Pathogenic. Review status: criteria provided, single submitter (1 of 4 stars). 2 submissions from 2 submitters: Pathogenic (1). 1 of the submissions does not count toward it. Last evaluated 2026-09-08.

Conditions:
Fabry disease. Also called: Ceramide trihexosidosis; Fabry's disease; CERAMIDE TRIHEXOSIDASE DEFICIENCY; GLA DEFICIENCY; HEREDITARY DYSTOPIC LIPIDOSIS; ALPHA-GALACTOSIDASE A DEFICIENCY. Identifiers: Orphanet 324, MedGen C0002986, MONDO:0010526, OMIM 301500, HP:0001071. Disease mechanism: Fabry disease is due to inactivating mutations in the X-linked GLA gene resulting in deficiency of the enzyme Alpha Galactosidase-A., loss of function.

Submissions (2):

Genomenon, Inc
Classification: Pathogenic for Fabry disease. Last evaluated: 2026-09-08. Review status: criteria provided, single submitter. Criteria: Genomenon Sequence Variant Interpretation Standards - Updated. Collection method: curation. Allele origin: germline. Affected: yes.
Comment: GLA p.Ser65Thr (c.194G>C) is a missense variant that changes the amino acid at codon 65 from Serine to Threonine. This variant has been observed in at least one proband with clinical features consistent with Fabry disease (PMID:9554750;23826564). The variant was found to segregate with disease in at least one affected family (PMID:9554750). Functional or patient cell studies have been reported (PMID:10845698). At least one splicing study has demonstrated that this variant results in aberrant splicing (PMID:12786754). It is absent or not present at a significant frequency in gnomAD. In conclusion, we classify GLA p.Ser65Thr (c.194G>C) as a pathogenic variant.

OMIM
Classification: Pathogenic for FABRY DISEASE. Last evaluated: 2003-06-01. Review status: no assertion criteria provided. Collection method: literature only. Allele origin: germline. Not counted in ClinVar's aggregate classification.

Literature cited by the submitters: PubMed 9554750 (cited by Genomenon, Inc and OMIM); PubMed 23826564 (cited by Genomenon, Inc); PubMed 10845698 (cited by Genomenon, Inc); PubMed 12786754 (cited by Genomenon, Inc and OMIM).